The following is an entry in ClinVar:

NM_000548.5(TSC2):c.1397T>G (p.Leu466Arg)

Gene: TSC2 (TSC complex subunit 2; plus strand). Cytogenetic location: 16p13.3.
Variant type: single nucleotide variant.
Coding change: c.1397T>G on transcript NM_000548.5 (MANE Select); coding-DNA position 1397, T replaced by G.
Protein change: p.Leu466Arg; replaces leucine 466 with arginine.
Molecular consequence: missense variant.
Genome position (GRCh38, 1-based): chr16:2,063,007, T>G. VCF-style: chr16-2063007-T-G. GRCh37 (hg19) VCF-style: chr16-2113008-T-G.
Other names: c.1397T>G, p.Leu466Arg (NM_001077183.3, NM_001114382.3, NM_001363528.2 and 3 more transcripts); c.1286T>G, p.Leu429Arg (NM_001318827.2); c.1250T>G, p.Leu417Arg (NM_001318829.2); c.797T>G, p.Leu266Arg (NM_001318831.2); c.1430T>G, p.Leu477Arg (NM_001318832.2); short protein forms L466R, L266R, L429R, L477R, L417R.
Identifiers: ClinVar variation 50195 (VCV000050195.3), dbSNP rs45481199, ClinGen allele CA014742.

ClinVar aggregate classification (germline): Likely pathogenic. Review status: criteria provided, single submitter (1 of 4 stars). 2 submissions from 2 submitters: Likely pathogenic (1). 1 of the submissions does not count toward it. Last evaluated 2017-03-14.

Conditions:
Tuberous sclerosis syndrome (TSC). Also called: Tuberous Sclerosis Complex; Tuberous sclerosis. Identifiers: Orphanet 805, MedGen C0041341, MONDO:0001734.

Submissions (2):

GeneDx
Classification: Likely pathogenic. Last evaluated: 2017-03-14. Review status: criteria provided, single submitter. Criteria: GeneDx Variant Classification (06012015). Collection method: clinical testing. Allele origin: germline. Affected: yes.
Comment: A variant that is likely pathogenic has been identified in the TSC2 gene. The c.1397 T>G variant has not been published as a pathogenic variant, nor has it been reported as a benign variant to our knowledge. The c.1397 T>G variant is not observed in large population cohorts (Lek et al., 2016; 1000 Genomes Consortium et al., 2015; Exome Variant Server). Several in-silico splice prediction models predict that c.1397 T>G creates a cryptic donor site which may supplant the natural donor site and lead to abnormal gene splicing. However, in the absence of RNA/functional studies, the actual effect of this sequence change in this individual is unknown. If the c.1397 T>G does not affect splicing, it will result in a L466R missense substitution. The L466R variant is a non-conservative amino acid substitution, which is likely to impact secondary protein structure as these residues differ in polarity, charge, size and/or other properties. This substitution occurs at a position that is conserved across species, and in silico analysis predicts this variant is probably damaging to the protein structure/function. In addition, a different missense variant at the same residue (L466P) has been reported as a pathogenic variant in association with TSC (Hoogeveen-Westerveld et al., 2011, TSC2 LOVD). Therefore, this variant is likely pathogenic; however, the possibility that it is benign cannot be excluded.

Tuberous sclerosis database (TSC2)
No classification provided. Condition: TSC. Review status: no classification provided. Criteria: Tuberous Sclerosis Database Assertion Criteria 2015. Collection method: curation. Allele origin: germline. Affected: yes. Not counted in ClinVar's aggregate classification.